The following is an entry in ClinVar:

ClinVar aggregate classification (germline): Uncertain significance (1 of 4 stars; one submission).

Conditions:
Myofibrillar myopathy 5. Also called: Filaminopathy (type); FILAMINOPATHY, AUTOSOMAL DOMINANT. Identifiers: Orphanet 171445, MedGen C1836050, MONDO:0012289, OMIM 609524.
Distal myopathy with posterior leg and anterior hand involvement. Also called: WILLIAMS DISTAL MYOPATHY. Identifiers: Orphanet 63273, MedGen C3279722, MONDO:0013550, OMIM 614065.
Hypertrophic cardiomyopathy 26. Also called: Cardiomyopathy, familial hypertrophic, 26. Identifiers: Orphanet 75249, MedGen C4310749, MONDO:0014883, OMIM 617047.

Allele frequency attached by ClinVar (database versions not stated): gnomAD exomes below 0.00001.
gnomAD v4.1: 2 of 1,612,834 alleles (0.00012%); highest among the groups gnomAD compares: East Asian, 0.0045%; no homozygotes.

Submission:

Labcorp Genetics (formerly Invitae), Labcorp
Classification: Uncertain significance for Distal myopathy with posterior leg and anterior hand involvement; Myofibrillar myopathy 5; Hypertrophic cardiomyopathy 26. Last evaluated: 2024-10-16. Review status: criteria provided, single submitter. Criteria: Invitae Variant Classification Sherloc (09022015). Collection method: clinical testing. Allele origin: germline.
Comment: This sequence change replaces alanine, which is neutral and non-polar, with serine, which is neutral and polar, at codon 2590 of the FLNC protein (p.Ala2590Ser). This variant is not present in population databases (gnomAD no frequency). This variant has not been reported in the literature in individuals affected with FLNC-related conditions. ClinVar contains an entry for this variant (Variation ID: 1482518). Invitae Evidence Modeling of protein sequence and biophysical properties (such as structural, functional, and spatial information, amino acid conservation, physicochemical variation, residue mobility, and thermodynamic stability) indicates that this missense variant is not expected to disrupt FLNC protein function with a negative predictive value of 95%. In summary, the available evidence is currently insufficient to determine the role of this variant in disease. Therefore, it has been classified as a Variant of Uncertain Significance.

NM_001458.5(FLNC):c.7768G>T (p.Ala2590Ser)

Genes: FLNC (filamin C; plus strand), FLNC-AS1 (FLNC antisense RNA 1; minus strand). Cytogenetic location: 7q32.1.
Variant type: single nucleotide variant.
Coding change: c.7768G>T on transcript NM_001458.5 (MANE Select); coding-DNA position 7768, G replaced by T.
Protein change: p.Ala2590Ser; replaces alanine 2590 with serine.
Molecular consequence: missense variant.
Genome position (GRCh38, 1-based): chr7:128,857,324, G>T. VCF-style: chr7-128857324-G-T. GRCh37 (hg19) VCF-style: chr7-128497378-G-T.
Other names: c.7669G>T, p.Ala2557Ser (NM_001127487.2); short protein forms A2590S, A2557S.
Identifiers: ClinVar variation 1482518 (VCV001482518.6), dbSNP rs1354641654, ClinGen allele CA369219959.
Genomic context (GRCh38, chr7:128,857,324, plus strand): 5'-AACTACCTCATTGCCATCAAGTACGGTGGCCCCCAGCACATCGTGGGCAGCCCCTTCAAG[G>T]CCAAGGTCACTGGTGAGTGCCAGTTTGGGGGAGGTCCACCCAGCCTGCAGCCCAGCCCAG-3'
Protein context (NP_001449.3, residues 2580-2600): PQHIVGSPFK[Ala2590Ser]KVTGPRLSGG